The following is an entry in ClinVar:

NM_022455.5(NSD1):c.3743A>G (p.Glu1248Gly)

Gene: NSD1 (nuclear receptor binding SET domain protein 1; plus strand). Cytogenetic location: 5q35.3.
Variant type: single nucleotide variant.
Coding change: c.3743A>G on transcript NM_022455.5 (MANE Select); coding-DNA position 3743, A replaced by G.
Protein change: p.Glu1248Gly; replaces glutamic acid 1248 with glycine.
Molecular consequence: missense variant.
Genome position (GRCh38, 1-based): chr5:177,212,142, A>G. VCF-style: chr5-177212142-A-G. GRCh37 (hg19) VCF-style: chr5-176639143-A-G.
Other names: c.2870A>G, p.Glu957Gly (NM_001365684.2, NM_001409306.1, NM_001409307.1 and 3 more transcripts); c.3743A>G, p.Glu1248Gly (NM_001409301.1, NM_001409302.1, NM_001409303.1); c.3323A>G, p.Glu1108Gly (NM_001409304.1); c.2990A>G, p.Glu997Gly (NM_001409305.1); short protein forms E957G, E1108G, E997G, E1248G.
Identifiers: ClinVar variation 3407964 (VCV003407964.3).

ClinVar aggregate classification (germline): Likely benign. Review status: criteria provided, multiple submitters, no conflicts (2 of 4 stars). 2 submissions from 2 submitters: Likely benign (2). Last evaluated 2026-06-01.

Conditions:
Inborn genetic diseases. Identifiers: MedGen C0950123, MeSH D030342.

gnomAD v4.1: 46 of 1,614,110 alleles (0.0028%); highest among the groups gnomAD compares: Non-Finnish European, 0.0033%; no homozygotes.

Submissions (2):

CeGaT Center for Human Genetics Tuebingen
Classification: Likely benign. Last evaluated: 2026-06-01. Review status: criteria provided, single submitter. Criteria: CeGaT Center For Human Genetics Tuebingen Variant Classification Criteria Version 2. Collection method: clinical testing. Allele origin: germline. Affected: yes. Observed: 1 variant allele.
Comment: NSD1: PP2, BS2

Ambry Genetics
Classification: Likely benign for Inborn genetic diseases. Last evaluated: 2024-08-27. Review status: criteria provided, single submitter. Criteria: Ambry Variant Classification Scheme 2023. Collection method: clinical testing. Allele origin: germline.